The following is an entry in ClinVar:

ClinVar aggregate classification (germline): Uncertain significance (1 of 4 stars; one submission).

Conditions:
Agammaglobulinemia 2, autosomal recessive (AGM2). Also called: AGAMMAGLOBULINEMIA, AUTOSOMAL RECESSIVE, DUE TO IGLL1 DEFECT. Identifiers: MedGen C3150750, MONDO:0013287, OMIM 613500.

Submission:

Labcorp Genetics (formerly Invitae), Labcorp
Classification: Uncertain significance for Agammaglobulinemia 2, autosomal recessive. Last evaluated: 2020-07-07. Review status: criteria provided, single submitter. Criteria: Invitae Variant Classification Sherloc (09022015). Collection method: clinical testing. Allele origin: germline.
Comment: In summary, the available evidence is currently insufficient to determine the role of this variant in disease. Therefore, it has been classified as a Variant of Uncertain Significance. Experimental studies and prediction algorithms are not available or were not evaluated, and the functional significance of this variant is currently unknown. This variant has not been reported in the literature in individuals with IGLL1-related conditions. This variant is not present in population databases (ExAC no frequency). This sequence change results in a premature translational stop signal in the IGLL1 gene (p.Ala54Profs*41). While this is not anticipated to result in nonsense mediated decay, it is expected to disrupt the last 160 amino acids of the IGLL1 protein.

NM_020070.4(IGLL1):c.152_158dup (p.Ala54fs)

Gene: IGLL1 (immunoglobulin lambda like polypeptide 1; minus strand). Cytogenetic location: 22q11.23.
Variant type: Microsatellite.
Coding change: c.152_158dup on transcript NM_020070.4 (MANE Select); coding-DNA positions 152 to 158, 7 bases duplicated (GCCCTGG; older notation c.152_158dupGCCCTGG).
Protein change: p.Ala54fs; shifts the reading frame from alanine 54.
Molecular consequence: frameshift variant.
Genome position (GRCh38, 1-based): chr22:23,580,033-23,580,039, CCAGGGC duplicated on the plus strand (GCCCTGG on the coding strand, the reverse complement: IGLL1 is on the minus strand); duplicating any 7 consecutive bases within chr22:23,580,033-23,580,048 gives the same sequence; the c. name uses the placement nearest the transcript's 3' end. VCF-style (leftmost placement, unchanged base first): chr22-23580032-T-TCCAGGGC. GRCh37 (hg19) VCF-style: chr22-23922219-T-TCCAGGGC.
Other names: c.152_158dup, p.Ala54fs (NM_001369906.1, NM_152855.3); short protein forms A54fs.
Identifiers: ClinVar variation 1035300 (VCV001035300.6), dbSNP rs1925262225, ClinGen allele CA2397859384.